The following is an entry in ClinVar:

ClinVar aggregate classification (germline): Pathogenic/Likely pathogenic. Review status: criteria provided, multiple submitters, no conflicts (2 of 4 stars). 2 submissions from 2 submitters: Pathogenic (1); Likely pathogenic (1). Last evaluated 2022-07-07.

Conditions:
Muscular dystrophy-dystroglycanopathy (congenital with brain and eye anomalies), type A1 (MDDGA1). Also called: Hydrocephalus, agyria and retinal dysplasia; Hard +/- E syndrome; Warburg syndrome; Chemke syndrome; Pagon syndrome; Cerebroocular dysgenesis. Identifiers: Orphanet 588, Orphanet 899, MedGen C4284790, MONDO:0009364, OMIM 236670.

Submissions (2):

Baylor Genetics
Classification: Likely pathogenic for Muscular dystrophy-dystroglycanopathy (congenital with brain and eye anomalies), type A1. Last evaluated: 2022-07-07. Review status: criteria provided, single submitter. Criteria: ACMG Guidelines, 2015. Collection method: clinical testing. Allele origin: unknown.

Athena Diagnostics
Classification: Pathogenic. Last evaluated: 2020-10-16. Review status: criteria provided, single submitter. Criteria: Athena Diagnostics Criteria. Collection method: clinical testing. Allele origin: unknown.
Comment: This variant is expected to result in the loss of a functional protein. This variant has not been reported in large, multi-ethnic general populations. This variant has been identified in at least one individual tested at Athena Diagnostics with clinical features associated with this gene.This observation is not an independent occurrence and has been identified in the same individual by RCIGM, the other laboratory participating in the GEMINI study.

NM_001077365.2(POMT1):c.1298_1299del (p.Thr433fs)

Gene: POMT1 (protein O-mannosyltransferase 1; plus strand). Cytogenetic location: 9q34.13.
Variant type: Microsatellite.
Coding change: c.1298_1299del on transcript NM_001077365.2 (MANE Select); coding-DNA positions 1298 to 1299, 2 bases deleted (CA; older notation c.1298_1299delCA).
Protein change: p.Thr433fs; shifts the reading frame from threonine 433.
Molecular consequence: frameshift variant. On other transcripts: non-coding transcript variant (10).
Genome position (GRCh38, 1-based): chr9:131,518,470-131,518,471, CA deleted; deleting any 2 consecutive bases within chr9:131,518,467-131,518,471 gives the same sequence; the c. name uses the placement nearest the transcript's 3' end. VCF-style (leftmost placement, unchanged base first): chr9-131518466-GAC-G. GRCh37 (hg19) VCF-style: chr9-134393853-GAC-G.
Other names: c.1013_1014del, p.Thr338fs (NM_001353199.2); c.842_843del, p.Thr281fs (NM_001353200.2); c.1286_1287del, p.Thr429fs (NM_001374689.1); c.1298_1299del, p.Thr433fs (NM_001374690.1, NM_001136113.2); c.947_948del, p.Thr316fs (NM_001374691.1, NM_001374692.1, NM_001374693.1 and 2 more transcripts); c.908_909del, p.Thr303fs (NM_001374695.1); c.165_166CA[1], p.Thr56Argfs (NM_001411024.1); c.1364_1365del, p.Thr455fs (NM_007171.4, NM_001353193.2); and 3 more; short protein forms T281fs, T303fs, T316fs, T338fs, T379fs, T401fs, T403fs, T429fs.
Identifiers: ClinVar variation 1809727 (VCV001809727.2), dbSNP rs2539364366, ClinGen allele CA2580617113.
Genomic context (GRCh38, chr9:131,518,466, plus strand): 5'-GAAAAGGAATGAAATAATCCTTGAGATGTCTTTTTGCAGGAAATTGTGAACAGAGGATCT[GAC>G]ACAGACGTCTGGAAGACCATCCTCTCAGAGGTCCGCTTTGTGCACGTGAACACTTCCGCT-3'